The following is an entry in ClinVar:

ClinVar aggregate classification (germline): Uncertain significance (1 of 4 stars; one submission).

Allele frequency attached by ClinVar (database versions not stated): gnomAD exomes 0.00001; TOPMed 0.00001; ESP Exome Variant Server 0.00008.
gnomAD v4.1: 10 of 1,613,212 alleles (0.00062%); highest among the groups gnomAD compares: Admixed American, 0.005%; no homozygotes.

Submission:

Labcorp Genetics (formerly Invitae), Labcorp
Classification: Uncertain significance. Last evaluated: 2022-06-08. Review status: criteria provided, single submitter. Criteria: Invitae Variant Classification Sherloc (09022015). Collection method: clinical testing. Allele origin: germline.
Comment: This sequence change replaces serine, which is neutral and polar, with leucine, which is neutral and non-polar, at codon 536 of the LRPPRC protein (p.Ser536Leu). This variant is present in population databases (rs373716781, gnomAD 0.006%). This variant has not been reported in the literature in individuals affected with LRPPRC-related conditions. Algorithms developed to predict the effect of missense changes on protein structure and function (SIFT, PolyPhen-2, Align-GVGD) all suggest that this variant is likely to be tolerated. In summary, the available evidence is currently insufficient to determine the role of this variant in disease. Therefore, it has been classified as a Variant of Uncertain Significance.

NM_133259.4(LRPPRC):c.1607C>T (p.Ser536Leu)

Genes: LRPPRC (leucine rich pentatricopeptide repeat containing; minus strand), LOC129388857 (MPRA-validated peak3685 silencer; plus strand). Cytogenetic location: 2p21.
Variant type: single nucleotide variant.
Coding change: c.1607C>T on transcript NM_133259.4 (MANE Select); coding-DNA position 1607, C replaced by T.
Protein change: p.Ser536Leu; replaces serine 536 with leucine.
Molecular consequence: missense variant.
Genome position (GRCh38, 1-based): chr2:43,957,427, G>A on the plus strand (C>T on the coding strand, the complement: LRPPRC is on the minus strand). VCF-style: chr2-43957427-G-A. GRCh37 (hg19) VCF-style: chr2-44184566-G-A.
Other names: short protein forms S536L.
Identifiers: ClinVar variation 2179705 (VCV002179705.1), dbSNP rs373716781, ClinGen allele CA46470579.